The following is an entry in ClinVar:

NM_000237.3(LPL):c.802C>T (p.His268Tyr)

Gene: LPL (lipoprotein lipase; plus strand). Cytogenetic location: 8p21.3.
Variant type: single nucleotide variant.
Coding change: c.802C>T on transcript NM_000237.3 (MANE Select); coding-DNA position 802, C replaced by T.
Protein change: p.His268Tyr; replaces histidine 268 with tyrosine.
Molecular consequence: missense variant.
Genome position (GRCh38, 1-based): chr8:19,955,867, C>T. VCF-style: chr8-19955867-C-T. GRCh37 (hg19) VCF-style: chr8-19813378-C-T.
Other names: short protein forms H268Y.
Identifiers: ClinVar variation 3251541 (VCV003251541.2), dbSNP rs2540107050.

ClinVar aggregate classification (germline): Likely pathogenic. Review status: criteria provided, multiple submitters, no conflicts (2 of 4 stars). 2 submissions from 2 submitters: Likely pathogenic (2). Last evaluated 2024-04-04.

Conditions:
Hyperlipoproteinemia, type I. Also called: Lipoprotein Lipase Deficiency; Hyperlipoproteinemia type 1; Hyperchylomicro-nemia familial; Familial chylomicronemia; Hyperlipemia idiopathic Burger-Grutz type; Familial hyperlipo-proteinemia type 1. Identifiers: Orphanet 309015, Orphanet 444490, MedGen C0023817, MONDO:0009387, OMIM 238600. Disease mechanism: loss of function.
Hyperlipidemia, familial combined, LPL related (FCHL3). Also called: Hyperapobetalipoproteinemia. Identifiers: MedGen C0020474, MONDO:0007759, OMIM 144250, HP:0008158.

Submissions (2):

Fulgent Genetics
Classification: Likely pathogenic for Hyperlipidemia, familial combined, LPL related; Hyperlipoproteinemia, type I. Last evaluated: 2024-04-04. Review status: criteria provided, single submitter. Criteria: ACMG Guidelines, 2015. Collection method: clinical testing. Allele origin: germline.

Women's Health and Genetics/Laboratory Corporation of America, LabCorp
Classification: Likely pathogenic for Hyperlipoproteinemia, type I. Last evaluated: 2024-04-04. Review status: criteria provided, single submitter. Criteria: LabCorp Variant Classification Summary - May 2015. Collection method: clinical testing. Allele origin: germline.
Comment: Variant summary: LPL c.802C>T (p.His268Tyr) results in a conservative amino acid change located in the Lipase (IPR013818) of the encoded protein sequence. Four of five in-silico tools predict a damaging effect of the variant on protein function. The variant was absent in 251288 control chromosomes. c.802C>T has been reported in the literature in individuals affected with Familial Lipoprotein Lipase Deficiency (Vidanpathirana_2017, Wang_2021) and observed to segregate with disease. These data indicate that the variant may be associated with disease. To our knowledge, no experimental evidence demonstrating an impact on protein function has been reported. The following publications have been ascertained in the context of this evaluation (PMID: 34324844, 28695157). No submitters have cited clinical-significance assessments for this variant to ClinVar. Based on the evidence outlined above, the variant was classified as likely pathogenic.

Literature cited by the submitters: PubMed 28695157 (cited by Women's Health and Genetics/Laboratory Corporation of America, LabCorp); PubMed 34324844 (cited by Women's Health and Genetics/Laboratory Corporation of America, LabCorp).